The following is an entry in ClinVar:

ClinVar aggregate classification (germline): Uncertain significance (1 of 4 stars; one submission).

Conditions:
Developmental and epileptic encephalopathy, 23 (DEE23). Also called: Epileptic encephalopathy, early infantile, 23. Identifiers: Orphanet 411986, MedGen C4014492, MONDO:0014371, OMIM 615859.

Allele frequency attached by ClinVar (database versions not stated): ExAC 0.00002; gnomAD 0.00002; TOPMed 0.00002; gnomAD exomes 0.00004 and 0.00007.
gnomAD v4.1: 101 of 1,613,468 alleles (0.0063%); highest among the groups gnomAD compares: Non-Finnish European, 0.0084%; no homozygotes.

Submission:

Labcorp Genetics (formerly Invitae), Labcorp
Classification: Uncertain significance for Developmental and epileptic encephalopathy, 23. Last evaluated: 2022-09-07. Review status: criteria provided, single submitter. Criteria: Invitae Variant Classification Sherloc (09022015). Collection method: clinical testing. Allele origin: germline.
Comment: This sequence change replaces serine, which is neutral and polar, with asparagine, which is neutral and polar, at codon 2123 of the DOCK7 protein (p.Ser2123Asn). This variant is present in population databases (rs751519461, gnomAD 0.007%). This variant has not been reported in the literature in individuals affected with DOCK7-related conditions. ClinVar contains an entry for this variant (Variation ID: 1039836). Algorithms developed to predict the effect of missense changes on protein structure and function (SIFT, PolyPhen-2, Align-GVGD) all suggest that this variant is likely to be tolerated. In summary, the available evidence is currently insufficient to determine the role of this variant in disease. Therefore, it has been classified as a Variant of Uncertain Significance.

NM_001367561.1(DOCK7):c.6401G>A (p.Ser2134Asn)

Gene: DOCK7 (dedicator of cytokinesis 7; minus strand). Cytogenetic location: 1p31.3.
Variant type: single nucleotide variant.
Coding change: c.6401G>A on transcript NM_001367561.1 (MANE Select); coding-DNA position 6401, G replaced by A.
Protein change: p.Ser2134Asn; replaces serine 2134 with asparagine.
Molecular consequence: missense variant.
Genome position (GRCh38, 1-based): chr1:62,455,436, C>T on the plus strand (G>A on the coding strand, the complement: DOCK7 is on the minus strand). VCF-style: chr1-62455436-C-T. GRCh37 (hg19) VCF-style: chr1-62921107-C-T.
Other names: c.6368G>A, p.Ser2123Asn (NM_001271999.2); c.6281G>A, p.Ser2094Asn (NM_001272000.2); c.6275G>A, p.Ser2092Asn (NM_001272001.2); c.6374G>A, p.Ser2125Asn (NM_001330614.2); c.6308G>A, p.Ser2103Asn (NM_033407.4); short protein forms S2094N, S2125N, S2134N, S2123N, S2092N, S2103N.
Identifiers: ClinVar variation 1039836 (VCV001039836.6), dbSNP rs751519461, ClinGen allele CA885203.